The following is an entry in ClinVar:

NM_001401501.2(MUC16):c.42579G>A (p.Thr14193=)

Gene: MUC16 (mucin 16, cell surface associated; minus strand). Cytogenetic location: 19p13.2.
Variant type: single nucleotide variant.
Coding change: c.42579G>A on transcript NM_001401501.2 (MANE Select); coding-DNA position 42579, G replaced by A.
Protein change: p.Thr14193=; no amino-acid change (threonine 14193 retained).
Molecular consequence: synonymous variant.
Genome position (GRCh38, 1-based): chr19:8,892,911, C>T on the plus strand (G>A on the coding strand, the complement: MUC16 is on the minus strand). VCF-style: chr19-8892911-C-T. GRCh37 (hg19) VCF-style: chr19-9003587-C-T.
Other names: c.43005G>A, p.Thr14335= (NM_001414686.1); c.42459G>A, p.Thr14153= (NM_001414687.1); c.40053G>A, p.Thr13351= (NM_024690.2).
Identifiers: ClinVar variation 3040952 (VCV003040952.2), dbSNP rs111616391, ClinGen allele CA9163673.
Genomic context (GRCh38, chr19:8,892,911, plus strand): 5'-AACGTGGGAGGGGCAGAGTAAGTTGGACAGGGGTCTCACCAGACCCTGAAGGACCCTCTC[C>T]GTGGTGTTGAACTTCCTGGAGCCAGGGCGACGCATGTCCTCCTCATACTGCAGGTTAGTG-3'
Protein context (NP_001388430.1, residues 14183-14203): RRPGSRKFNT[Thr14193=]ERVLQGLLMP

ClinVar aggregate classification (germline): Benign (0 of 4 stars; one submission).

Conditions:
MUC16-related disorder. Also called: MUC16-related condition.

Allele frequency attached by ClinVar (database versions not stated): gnomAD exomes 0.00081; ExAC 0.00236; gnomAD 0.00684; ESP Exome Variant Server 0.00703; 1000 Genomes Project 0.00899; 1000 Genomes Project 30x 0.00937.

Submission:

PreventionGenetics, part of Exact Sciences
Classification: Benign for MUC16-related condition. Last evaluated: 2019-03-14. Review status: no assertion criteria provided. Collection method: clinical testing. Allele origin: germline.
Comment: This variant is classified as benign based on ACMG/AMP sequence variant interpretation guidelines (Richards et al. 2015 PMID: 25741868, with internal and published modifications).